The following is an entry in ClinVar:

NM_000540.3(RYR1):c.10259+6C>T

Gene: RYR1 (ryanodine receptor 1; plus strand). Cytogenetic location: 19q13.2.
Variant type: single nucleotide variant.
Coding change: c.10259+6C>T on transcript NM_000540.3 (MANE Select); 6 bases into the intron after coding-DNA position 10259, C replaced by T.
Molecular consequence: intron variant.
Genome position (GRCh38, 1-based): chr19:38,519,460, C>T. VCF-style: chr19-38519460-C-T. GRCh37 (hg19) VCF-style: chr19-39010100-C-T.
Other names: c.10259+6C>T (NM_001042723.2).
Identifiers: ClinVar variation 478148 (VCV000478148.9), dbSNP rs754022028, ClinGen allele CA052829.
Genomic context (GRCh38, chr19:38,519,460, plus strand): 5'-GCCGGGACCTCTACGCCCTGTATCCGCTGCTCATCCGCTACGTGGACAACAACAGGTCAG[C>T]GGGGCCCCGCTGTCCCCATGCCCTCCGCCCCGACCTCCCACGTCCTCCAGCCCCATCTGA-3'

ClinVar aggregate classification (germline): Uncertain significance. Review status: criteria provided, multiple submitters, no conflicts (2 of 4 stars). 4 submissions from 4 submitters: Uncertain significance (4). Last evaluated 2025-09-05.

Conditions:
Malignant hyperthermia, susceptibility to, 1 (MHS1). Also called: RYR1-Related Malignant Hyperthermia Susceptibility; Anesthesia related hyperthermia; Malignant hyperpyrexia; Fulminating hyperpyrexia; Pharmacogenic myopathy; Malignant hyperthermia suceptibility 1. Identifiers: Orphanet 423, MedGen C2930980, MONDO:0007783, OMIM 145600.
RYR1-related disorder. Also called: RYR1-related disorders; RYR1-related condition. Identifiers: MedGen CN239331.

Allele frequency attached by ClinVar (database versions not stated): ExAC 0.00002; gnomAD 0.00003; gnomAD exomes 0.00004 and 0.00008; TOPMed 0.00006.
gnomAD v4.1: 115 of 1,587,472 alleles (0.0072%); highest among the groups gnomAD compares: Non-Finnish European, 0.009%; no homozygotes.

Submissions (4):

Labcorp Genetics (formerly Invitae), Labcorp
Classification: Uncertain significance for RYR1-related disorder. Last evaluated: 2025-09-05. Review status: criteria provided, single submitter. Criteria: Invitae Variant Classification Sherloc (09022015). Collection method: clinical testing. Allele origin: germline.
Comment: This sequence change falls in intron 67 of the RYR1 gene. It does not directly change the encoded amino acid sequence of the RYR1 protein. It affects a nucleotide within the consensus splice site. The frequency data for this variant in the population databases is considered unreliable, as metrics indicate poor data quality at this position in the gnomAD database. This variant has not been reported in the literature in individuals affected with RYR1-related conditions. ClinVar contains an entry for this variant (Variation ID: 478148). Variants that disrupt the consensus splice site are a relatively common cause of aberrant splicing (PMID: 17576681, 9536098). Algorithms developed to predict the effect of sequence changes on RNA splicing suggest that this variant is not likely to affect RNA splicing. In summary, the available evidence is currently insufficient to determine the role of this variant in disease. Therefore, it has been classified as a Variant of Uncertain Significance.

Color Diagnostics, LLC DBA Color Health
Classification: Uncertain significance for Malignant hyperthermia, susceptibility to, 1. Last evaluated: 2024-04-18. Review status: criteria provided, single submitter. Criteria: ACMG Guidelines, 2015. Collection method: clinical testing. Allele origin: germline.
Comment: This variant causes a C to T nucleotide substitution at the +6 position of intron 67 of the RYR1 gene. To our knowledge, functional studies have not been reported for this variant. This variant has not been reported in individuals affected with RYR1-related disorders in the literature. This variant has been identified in 9/203618 chromosomes in the general population by the Genome Aggregation Database (gnomAD). The available evidence is insufficient to determine the role of this variant in disease conclusively. Therefore, this variant is classified as a Variant of Uncertain Significance.

Blueprint Genetics
Classification: Uncertain significance. Last evaluated: 2023-11-07. Review status: criteria provided, single submitter. Criteria: ACMG Guidelines, 2015. Collection method: clinical testing. Allele origin: germline.

GeneDx
Classification: Uncertain significance. Last evaluated: 2019-05-07. Review status: criteria provided, single submitter. Criteria: GeneDx Variant Classification Process June 2021. Collection method: clinical testing. Allele origin: germline. Affected: yes.
Comment: Not observed in large population cohorts (Lek et al., 2016); In silico analysis, which includes splice predictors and evolutionary conservation, supports that this variant does not alter protein structure/function; Has not been previously published as pathogenic or benign to our knowledge

Literature cited by the submitters: PubMed 17576681 (cited by Labcorp Genetics (formerly Invitae), Labcorp); PubMed 9536098 (cited by Labcorp Genetics (formerly Invitae), Labcorp).